The following is an entry in ClinVar:

NM_014915.3(ANKRD26):c.1189C>T (p.His397Tyr)

Gene: ANKRD26 (ankyrin repeat domain containing 26; minus strand). Cytogenetic location: 10p12.1.
Variant type: single nucleotide variant.
Coding change: c.1189C>T on transcript NM_014915.3 (MANE Select); coding-DNA position 1189, C replaced by T.
Protein change: p.His397Tyr; replaces histidine 397 with tyrosine.
Molecular consequence: missense variant.
Genome position (GRCh38, 1-based): chr10:27,067,175, G>A on the plus strand (C>T on the coding strand, the complement: ANKRD26 is on the minus strand). VCF-style: chr10-27067175-G-A. GRCh37 (hg19) VCF-style: chr10-27356104-G-A.
Other names: c.1189C>T, p.His397Tyr (NM_001256053.2); short protein forms H397Y.
Identifiers: ClinVar variation 2446285 (VCV002446285.2), dbSNP rs376073599, ClinGen allele CA5448669.

ClinVar aggregate classification (germline): Uncertain significance. Review status: criteria provided, multiple submitters, no conflicts (2 of 4 stars). 2 submissions from 2 submitters: Uncertain significance (2). Last evaluated 2024-12-02.

Conditions:
Inborn genetic diseases. Identifiers: MedGen C0950123, MeSH D030342.

Allele frequency attached by ClinVar (database versions not stated): gnomAD exomes below 0.00001; gnomAD 0.00001; ExAC 0.00002; TOPMed 0.00003; ESP Exome Variant Server 0.00008.
gnomAD v4.1: 2 of 1,613,240 alleles (0.00012%); highest among the groups gnomAD compares: African/African-American, 0.0027%; no homozygotes.

Submissions (2):

Ambry Genetics
Classification: Uncertain significance for Inborn genetic diseases. Last evaluated: 2024-12-02. Review status: criteria provided, single submitter. Criteria: Ambry Variant Classification Scheme 2023. Collection method: clinical testing. Allele origin: germline.
Comment: The p.H397Y variant (also known as c.1189C>T), located in coding exon 10 of the ANKRD26 gene, results from a C to T substitution at nucleotide position 1189. The histidine at codon 397 is replaced by tyrosine, an amino acid with similar properties. This amino acid position is conserved. In addition, this alteration is predicted to be tolerated by in silico analysis. Based on the available evidence, the clinical significance of this variant remains unclear.

GeneDx
Classification: Uncertain significance. Last evaluated: 2022-09-23. Review status: criteria provided, single submitter. Criteria: GeneDx Variant Classification Process June 2021. Collection method: clinical testing. Allele origin: germline. Affected: yes.
Comment: Not observed at significant frequency in large population cohorts (gnomAD); In silico analysis supports that this missense variant has a deleterious effect on protein structure/function; Has not been previously published as pathogenic or benign to our knowledge